The following is an entry in ClinVar:

NM_001374623.1(PNPLA1):c.1578A>C (p.Lys526Asn)

Gene: PNPLA1 (patatin like domain 1, omega-hydroxyceramide transacylase; plus strand). Cytogenetic location: 6p21.31.
Variant type: single nucleotide variant.
Coding change: c.1578A>C on transcript NM_001374623.1 (MANE Select); coding-DNA position 1578, A replaced by C.
Protein change: p.Lys526Asn; replaces lysine 526 with asparagine.
Molecular consequence: missense variant.
Genome position (GRCh38, 1-based): chr6:36,307,695, A>C. VCF-style: chr6-36307695-A-C. GRCh37 (hg19) VCF-style: chr6-36275472-A-C.
Other names: c.1578A>C, p.Lys526Asn (NM_001145717.1); c.1320A>C, p.Lys440Asn (NM_001145716.2); c.1293A>C, p.Lys431Asn (NM_173676.2); short protein forms K431N, K526N, K440N.
Identifiers: ClinVar variation 356576 (VCV000356576.14), dbSNP rs35398989, ClinGen allele CA3778078.

ClinVar aggregate classification (germline): Benign. Review status: criteria provided, multiple submitters, no conflicts (2 of 4 stars). 2 submissions from 2 submitters: Benign (2). Last evaluated 2026-01-28.

Conditions:
Autosomal recessive congenital ichthyosis 10 (ARCI10). Identifiers: Orphanet 79394, MedGen C3554355, MONDO:0014011, OMIM 615024.

Allele frequency attached by ClinVar (database versions not stated): gnomAD exomes 0.00096 and 0.00255; ExAC 0.00299; 1000 Genomes Project 30x 0.00718; 1000 Genomes Project 0.00719; gnomAD 0.01009 and 0.01093; TOPMed 0.01111; ESP Exome Variant Server 0.01130.
gnomAD v4.1: 2,999 of 1,613,996 alleles (0.19%); highest among the groups gnomAD compares: African/African-American, 3.6%; 56 homozygotes.

Submissions (2):

Labcorp Genetics (formerly Invitae), Labcorp
Classification: Benign. Last evaluated: 2026-01-28. Review status: criteria provided, single submitter. Criteria: Invitae Variant Classification Sherloc (09022015). Collection method: clinical testing. Allele origin: germline.

Illumina Laboratory Services, Illumina
Classification: Benign for Autosomal recessive congenital ichthyosis 10. Last evaluated: 2018-01-12. Review status: criteria provided, single submitter. Criteria: ICSL Variant Classification Criteria 13 December 2019. Collection method: clinical testing. Allele origin: germline.
Comment: This variant was observed in the ICSL laboratory as part of a predisposition screen in an ostensibly healthy population. It had not been previously curated by ICSL or reported in the Human Gene Mutation Database (HGMD: prior to June 1st, 2018), and was therefore a candidate for classification through an automated scoring system. Utilizing variant allele frequency, disease prevalence and penetrance estimates, and inheritance mode, an automated score was calculated to assess if this variant is too frequent to cause the disease. Based on the score and internal cut-off values, a variant classified as benign is not then subjected to further curation. The score for this variant resulted in a classification of benign for this disease.